The following is an entry in ClinVar:

ClinVar aggregate classification (germline): Likely benign. Review status: criteria provided, single submitter (1 of 4 stars). 2 submissions from 2 submitters: Likely benign (1). 1 of the submissions does not count toward it. Last evaluated 2025-06-12.

Conditions:
TNS2-related disorder. Also called: TNS2-related condition.

Allele frequency attached by ClinVar (database versions not stated): ESP Exome Variant Server 0.00031; gnomAD 0.00033; TOPMed 0.00037; 1000 Genomes Project 0.00040; 1000 Genomes Project 30x 0.00062.
gnomAD v4.1: 107 of 1,614,160 alleles (0.0066%); highest among the groups gnomAD compares: African/African-American, 0.11%; no homozygotes.

Submissions (2):

Labcorp Genetics (formerly Invitae), Labcorp
Classification: Likely benign. Last evaluated: 2025-06-12. Review status: criteria provided, single submitter. Criteria: Invitae Variant Classification Sherloc (09022015). Collection method: clinical testing. Allele origin: germline.

PreventionGenetics, part of Exact Sciences
Classification: Likely benign for TNS2-related condition. Last evaluated: 2019-04-05. Review status: no assertion criteria provided. Collection method: clinical testing. Allele origin: germline. Not counted in ClinVar's aggregate classification.
Comment: This variant is classified as likely benign based on ACMG/AMP sequence variant interpretation guidelines (Richards et al. 2015 PMID: 25741868, with internal and published modifications).

NM_170754.4(TNS2):c.1095+10G>T

Gene: TNS2 (tensin 2; plus strand). Cytogenetic location: 12q13.13.
Variant type: single nucleotide variant.
Coding change: c.1095+10G>T on transcript NM_170754.4 (MANE Select); 10 bases into the intron after coding-DNA position 1095, G replaced by T.
Molecular consequence: intron variant.
Genome position (GRCh38, 1-based): chr12:53,058,112, G>T. VCF-style: chr12-53058112-G-T. GRCh37 (hg19) VCF-style: chr12-53451896-G-T.
Other names: c.1125+10G>T (NM_015319.2); c.723+10G>T (NM_198316.2); c.1095+10G>T (NM_001416202.1, NM_001416204.1); c.1026+10G>T (NM_001416203.1, NM_015319.3).
Identifiers: ClinVar variation 2081279 (VCV002081279.6), dbSNP rs375008816, ClinGen allele CA6592182.